The following is an entry in ClinVar:

NM_032043.3(BRIP1):c.1880T>A (p.Leu627His)

Gene: BRIP1 (BRCA1 interacting DNA helicase 1; minus strand). Cytogenetic location: 17q23.2.
Variant type: single nucleotide variant.
Coding change: c.1880T>A on transcript NM_032043.3 (MANE Select); coding-DNA position 1880, T replaced by A.
Protein change: p.Leu627His; replaces leucine 627 with histidine.
Molecular consequence: missense variant.
Genome position (GRCh38, 1-based): chr17:61,780,316, A>T on the plus strand (T>A on the coding strand, the complement: BRIP1 is on the minus strand). VCF-style: chr17-61780316-A-T. GRCh37 (hg19) VCF-style: chr17-59857677-A-T.
Other names: short protein forms L627H.
Identifiers: ClinVar variation 631340 (VCV000631340.18), dbSNP rs1567812479, ClinGen allele CA400480038.

ClinVar aggregate classification (germline): Uncertain significance. Review status: criteria provided, multiple submitters, no conflicts (2 of 4 stars). 3 submissions from 3 submitters: Uncertain significance (3). Last evaluated 2025-10-26.

Conditions:
Familial cancer of breast. Also called: BREAST CANCER, FAMILIAL; hereditary breast carcinoma; Hereditary breast cancer. Identifiers: Orphanet 227535, MedGen C0346153, MONDO:0016419, OMIM 114480. Disease mechanism: loss of function.
Fanconi anemia complementation group J. Also called: BRIP1-Related Fanconi Anemia. Identifiers: Orphanet 84, MedGen C1836860, MONDO:0012187, OMIM 609054.
Hereditary cancer-predisposing syndrome. Also called: Hereditary Cancer Syndrome; Neoplastic Syndromes, Hereditary; Tumor predisposition; Hereditary neoplastic syndrome. Identifiers: Orphanet 140162, MedGen C0027672, MeSH D009386, MONDO:0015356.

gnomAD v4.1: 1 of 1,612,134 alleles (0.000062%); highest among the groups gnomAD compares: Non-Finnish European, 0.000085%; no homozygotes.

Submissions (3):

Labcorp Genetics (formerly Invitae), Labcorp
Classification: Uncertain significance for Familial cancer of breast; Fanconi anemia complementation group J. Last evaluated: 2025-10-26. Review status: criteria provided, single submitter. Criteria: Invitae Variant Classification Sherloc (09022015). Collection method: clinical testing. Allele origin: germline.
Comment: This sequence change replaces leucine, which is neutral and non-polar, with histidine, which is basic and polar, at codon 627 of the BRIP1 protein (p.Leu627His). This variant is not present in population databases (gnomAD no frequency). This variant has not been reported in the literature in individuals affected with BRIP1-related conditions. ClinVar contains an entry for this variant (Variation ID: 631340). Invitae Evidence Modeling of protein sequence and biophysical properties (such as structural, functional, and spatial information, amino acid conservation, physicochemical variation, residue mobility, and thermodynamic stability) indicates that this missense variant is expected to disrupt BRIP1 protein function with a positive predictive value of 95%. In summary, the available evidence is currently insufficient to determine the role of this variant in disease. Therefore, it has been classified as a Variant of Uncertain Significance.

Ambry Genetics
Classification: Uncertain significance for Hereditary cancer-predisposing syndrome. Last evaluated: 2025-05-31. Review status: criteria provided, single submitter. Criteria: Ambry Variant Classification Scheme 2023. Collection method: clinical testing. Allele origin: germline.
Comment: The p.L627H variant (also known as c.1880T>A), located in coding exon 12 of the BRIP1 gene, results from a T to A substitution at nucleotide position 1880. The leucine at codon 627 is replaced by histidine, an amino acid with similar properties. This amino acid position is highly conserved in available vertebrate species. In addition, this alteration is predicted to be deleterious by in silico analysis. Since supporting evidence is limited at this time, the clinical significance of this alteration remains unclear.

Color Diagnostics, LLC DBA Color Health
Classification: Uncertain significance for Hereditary cancer-predisposing syndrome. Last evaluated: 2023-12-05. Review status: criteria provided, single submitter. Criteria: ACMG Guidelines, 2015. Collection method: clinical testing. Allele origin: germline.
Comment: This missense variant replaces leucine with histidine at codon 627 of the BRIP1 protein. Computational prediction suggests that this variant may have deleterious impact on protein structure and function (internally defined REVEL score threshold >= 0.7, PMID: 27666373). To our knowledge, functional studies have not been reported for this variant. This variant has not been reported in individuals affected with BRIP1-related disorders in the literature. This variant has not been identified in the general population by the Genome Aggregation Database (gnomAD). The available evidence is insufficient to determine the role of this variant in disease conclusively. Therefore, this variant is classified as a Variant of Uncertain Significance.